The following is an entry in ClinVar:

ClinVar aggregate classification (germline): Conflicting classifications of pathogenicity. Review status: criteria provided, conflicting classifications (1 of 4 stars). 18 submissions from 14 submitters: Uncertain significance (1); Benign (11); Likely benign (5). 1 of the submissions does not count toward it. Last evaluated 2026-06-01.

Conditions:
TTN-related disorder. Also called: TTN-related condition; TTN-related disease; TTN-related disorders.
Cardiovascular phenotype. Identifiers: MedGen CN230736.
Dilated cardiomyopathy 1G (CMD1G). Identifiers: Orphanet 154, MedGen C1858763, MONDO:0011400, OMIM 604145.
Autosomal recessive limb-girdle muscular dystrophy type 2J (LGMDR10). Also called: Limb-girdle muscular dystrophy, type 2J; MUSCULAR DYSTROPHY, LIMB-GIRDLE, AUTOSOMAL RECESSIVE 10. Identifiers: Orphanet 140922, MedGen C1837342, MONDO:0012127, OMIM 608807.
Cardiomyopathy (CMYO). Also called: Cardiomyopathies. Identifiers: Orphanet 167848, MedGen C0878544, MONDO:0004994, HP:0001638. Inheritance: Various modes of inheritance.
Myopathy, myofibrillar, 9, with early respiratory failure (MFM9). Also called: Hereditary myopathy with early respiratory failure; Myopathy, distal, with early respiratory failure, autosomal dominant; EDSTROM MYOPATHY; MYOPATHY, PROXIMAL, WITH EARLY RESPIRATORY MUSCLE INVOLVEMENT. Identifiers: Orphanet 178464, Orphanet 34521, MedGen C1863599, MONDO:0011362, OMIM 603689.
Early-onset myopathy with fatal cardiomyopathy (CMYO5). Also called: Salih Myopathy; CONGENITAL MYOPATHY 5 WITH CARDIOMYOPATHY. Identifiers: Orphanet 289377, MedGen C2673677, MONDO:0012714, OMIM 611705. Disease mechanism: loss of function.
Tibial muscular dystrophy (TMD). Also called: Udd Distal Myopathy – Tibial Muscular Dystrophy; Tibial muscular dystrophy, tardive; UDD MYOPATHY. Identifiers: Orphanet 609, MedGen C1838244, MONDO:0010870, OMIM 600334.

Allele frequency attached by ClinVar (database versions not stated): 1000 Genomes Project 30x 0.00172; 1000 Genomes Project 0.00200; ESP Exome Variant Server 0.00289; gnomAD 0.00308; TOPMed 0.00331.
gnomAD v4.1: 872 of 1,609,910 alleles (0.054%); highest among the groups gnomAD compares: African/African-American, 1.1%; 6 homozygotes.

Submissions (18):

CeGaT Center for Human Genetics Tuebingen
Classification: Likely benign. Last evaluated: 2026-06-01. Review status: criteria provided, single submitter. Criteria: CeGaT Center For Human Genetics Tuebingen Variant Classification Criteria Version 2. Collection method: clinical testing. Allele origin: germline. Affected: yes. Observed: 2 variant alleles.
Comment: TTN: BP4, BS1

Labcorp Genetics (formerly Invitae), Labcorp
Classification: Benign for Dilated cardiomyopathy 1G; Autosomal recessive limb-girdle muscular dystrophy type 2J. Last evaluated: 2026-02-03. Review status: criteria provided, single submitter. Criteria: Invitae Variant Classification Sherloc (09022015). Collection method: clinical testing. Allele origin: germline.

Molecular Diagnostic Laboratory for Inherited Cardiovascular Disease, Montreal Heart Institute
Classification: Benign. Last evaluated: 2025-04-09. Review status: criteria provided, single submitter. Criteria: ACMG Guidelines, 2015. Collection method: clinical testing. Allele origin: germline. Affected: no.
Comment: BS1;BP6;BP7

Mayo Clinic Laboratories, Mayo Clinic
Classification: Benign. Last evaluated: 2025-02-03. Review status: criteria provided, single submitter. Criteria: ACMG Guidelines, 2015. Collection method: clinical testing. Allele origin: germline. Observed: 6 variant alleles.
Comment: BS1, BS2

Blueprint Genetics
Classification: Likely benign. Last evaluated: 2024-11-26. Review status: criteria provided, single submitter. Criteria: ACMG Guidelines, 2015. Collection method: clinical testing. Allele origin: germline.

ARUP Laboratories, Molecular Genetics and Genomics, ARUP Laboratories
Classification: Likely benign. Last evaluated: 2024-07-29. Review status: criteria provided, single submitter. Criteria: ARUP Molecular Germline Variant Investigation Process 2024. Collection method: clinical testing. Allele origin: germline.

Women's Health and Genetics/Laboratory Corporation of America, LabCorp
Classification: Benign. Last evaluated: 2020-11-09. Review status: criteria provided, single submitter. Criteria: LabCorp Variant Classification Summary - May 2015. Collection method: clinical testing. Allele origin: germline.
Comment: Variant summary: TTN c.29018C>T (p.Pro9673Leu) results in a non-conservative amino acid change located in the I-band region of the encoded protein sequence. Three of four in-silico tools predict a damaging effect of the variant on protein function. The variant allele was found at a frequency of 0.00071 in 248426 control chromosomes, predominantly at a frequency of 0.01 within the African or African-American subpopulation in the gnomAD database. The observed variant frequency within African or African-American control individuals in the gnomAD database is approximately 25.6- fold the estimated maximal expected allele frequency for a pathogenic variant in TTN causing Dilated Cardiomyopathy phenotype (0.00039), strongly suggesting that the variant is a benign polymorphism found primarily in populations of African or African-American origin. To our knowledge, no occurrence of c.29018C>T in individuals affected with Dilated Cardiomyopathy and no experimental evidence demonstrating its impact on protein function have been reported. Five clinical diagnostic laboratories have submitted clinical-significance assessments for this variant to ClinVar after 2014 without evidence for independent evaluation, citing the variant as benign/likely benign (n=4) or uncertain significance (n=1). Based on the evidence outlined above, the variant was classified as benign.

Illumina Laboratory Services, Illumina
Classification: Uncertain significance for Autosomal recessive limb-girdle muscular dystrophy type 2J. Last evaluated: 2018-01-12. Review status: criteria provided, single submitter. Criteria: ICSL Variant Classification Criteria 13 December 2019. Collection method: clinical testing. Allele origin: germline.

Illumina Laboratory Services, Illumina
Classification: Likely benign for Dilated cardiomyopathy 1G. Last evaluated: 2018-01-12. Review status: criteria provided, single submitter. Criteria: ICSL Variant Classification Criteria 13 December 2019. Collection method: clinical testing. Allele origin: germline.
Comment: This variant was observed in the ICSL laboratory as part of a predisposition screen in an ostensibly healthy population. It had not been previously curated by ICSL or reported in the Human Gene Mutation Database (HGMD: prior to June 1st, 2018), and was therefore a candidate for classification through an automated scoring system. Utilizing variant allele frequency, disease prevalence and penetrance estimates, and inheritance mode, an automated score was calculated to assess if this variant is too frequent to cause the disease. Based on the score and internal cut-off values, a variant classified as likely benign is not then subjected to further curation. The score for this variant resulted in a classification of likely benign for this disease.

Illumina Laboratory Services, Illumina
Classification: Likely benign for Early-onset myopathy with fatal cardiomyopathy. Last evaluated: 2018-01-12. Review status: criteria provided, single submitter. Criteria: ICSL Variant Classification Criteria 13 December 2019. Collection method: clinical testing. Allele origin: germline.
Comment: the same text as in the submission from Illumina Laboratory Services, Illumina above.

Illumina Laboratory Services, Illumina
Classification: Benign for Myopathy, myofibrillar, 9, with early respiratory failure. Last evaluated: 2018-01-12. Review status: criteria provided, single submitter. Criteria: ICSL Variant Classification Criteria 13 December 2019. Collection method: clinical testing. Allele origin: germline.
Comment: This variant was observed in the ICSL laboratory as part of a predisposition screen in an ostensibly healthy population. It had not been previously curated by ICSL or reported in the Human Gene Mutation Database (HGMD: prior to June 1st, 2018), and was therefore a candidate for classification through an automated scoring system. Utilizing variant allele frequency, disease prevalence and penetrance estimates, and inheritance mode, an automated score was calculated to assess if this variant is too frequent to cause the disease. Based on the score and internal cut-off values, a variant classified as benign is not then subjected to further curation. The score for this variant resulted in a classification of benign for this disease.

Illumina Laboratory Services, Illumina
Classification: Benign for Tibial muscular dystrophy. Last evaluated: 2018-01-12. Review status: criteria provided, single submitter. Criteria: ICSL Variant Classification Criteria 13 December 2019. Collection method: clinical testing. Allele origin: germline.
Comment: the same text as in the submission from Illumina Laboratory Services, Illumina above.

CHEO Genetics Diagnostic Laboratory, Children's Hospital of Eastern Ontario
Classification: Benign for Cardiomyopathy. Last evaluated: 2017-08-08. Review status: criteria provided, single submitter. Criteria: ACMG Guidelines, 2015. Collection method: clinical testing. Allele origin: germline. Study: Canadian Open Genetics Repository.

Eurofins Ntd Llc (ga)
Classification: Benign. Last evaluated: 2014-09-22. Review status: criteria provided, single submitter. Criteria: EGL Classification Definitions 2015. Collection method: clinical testing. Allele origin: germline. Observed: 2 variant alleles, 1 heterozygote, 1 homozygote.

GeneDx
Classification: Benign. Last evaluated: 2014-06-04. Review status: criteria provided, single submitter. Criteria: GeneDx Variant Classification (06012015). Collection method: clinical testing. Allele origin: germline. Affected: yes.
Comment: This variant is considered likely benign or benign based on one or more of the following criteria: it is a conservative change, it occurs at a poorly conserved position in the protein, it is predicted to be benign by multiple in silico algorithms, and/or has population frequency not consistent with disease.

Ambry Genetics
Classification: Benign for Cardiovascular phenotype. Last evaluated: 2013-07-19. Review status: criteria provided, single submitter. Criteria: Ambry Autosomal Dominant and X-Linked criteria (10/2015). Collection method: clinical testing. Allele origin: germline. Observed: 1 variant allele.

Laboratory for Molecular Medicine, Mass General Brigham Personalized Medicine
Classification: Benign. Last evaluated: 2012-03-19. Review status: criteria provided, single submitter. Criteria: LMM Criteria. Collection method: clinical testing. Allele origin: germline. Observed: 9 variant alleles.
Comment: p.Pro9673Leu in Exon 130 of TTN: This variant is not expected to have clinical s ignificance because it has been identified in 1.1% (31/2912) of African American chromosomes from a broad population by the NHLBI Exome Sequencing Project (dbSNP rs73973137).

PreventionGenetics, part of Exact Sciences
Classification: Benign for TTN-related condition. Last evaluated: 2021-01-11. Review status: no assertion criteria provided. Collection method: clinical testing. Allele origin: germline. Not counted in ClinVar's aggregate classification.
Comment: This variant is classified as benign based on ACMG/AMP sequence variant interpretation guidelines (Richards et al. 2015 PMID: 25741868, with internal and published modifications).

NM_001267550.2(TTN):c.32750C>T (p.Pro10917Leu)

Gene: TTN (titin; minus strand). Cytogenetic location: 2q31.2.
Variant type: single nucleotide variant.
Coding change: c.32750C>T on transcript NM_001267550.2 (MANE Select); coding-DNA position 32750, C replaced by T.
Protein change: p.Pro10917Leu; replaces proline 10917 with leucine.
Molecular consequence: missense variant. On other transcripts: intron variant (3).
Genome position (GRCh38, 1-based): chr2:178,684,055, G>A on the plus strand (C>T on the coding strand, the complement: TTN is on the minus strand). VCF-style: chr2-178684055-G-A. GRCh37 (hg19) VCF-style: chr2-179548782-G-A.
Other names: p.P10600L:CCA>CTA; c.31799C>T, p.Pro10600Leu (NM_001256850.1); c.29018C>T, p.Pro9673Leu (NM_133378.4); c.13283-41738C>T (NM_003319.4); c.13859-41738C>T (NM_133437.4); c.13658-41738C>T (NM_133432.3); short protein forms P10917L, P10600L, P9673L.
Identifiers: ClinVar variation 46878 (VCV000046878.51), dbSNP rs73973137, ClinGen allele CA283129.
Genomic context (GRCh38, chr2:178,684,055, plus strand): 5'-ATACCTTTAGCTGGTGGTTCCTCCTCTCTTTTAGGTTTGAGTTTCAGAACTTTTTCTTCT[G>A]GGACAGCTCTCTTCGGTTCCTCTGGCACTTTAAAGAGAGATTTCACTTTAAAGTATTGTT-3'
Protein context (NP_001254479.2, residues 10907-10927): RVPEEPKRAV[Pro10917Leu]EEKVLKLKPK